The following is an entry in ClinVar:

ClinVar aggregate classification (germline): Likely benign (1 of 4 stars; one submission).

Submission:

Mayo Clinic Laboratories, Mayo Clinic
Classification: Likely benign. Last evaluated: 2025-10-14. Review status: criteria provided, single submitter. Criteria: ACMG Guidelines, 2015. Collection method: clinical testing. Allele origin: germline. Observed: 1 variant allele.
Comment: BP4, BP7, PM2_supporting

NM_001201550.3(CFHR4):c.957C>T (p.His319=)

Gene: CFHR4 (complement factor H related 4; plus strand). Cytogenetic location: 1q31.3.
Variant type: single nucleotide variant.
Coding change: c.957C>T on transcript NM_001201550.3 (MANE Select); coding-DNA position 957, C replaced by T.
Protein change: p.His319=; no amino-acid change (histidine 319 retained).
Molecular consequence: synonymous variant. On other transcripts: intron variant (1).
Genome position (GRCh38, 1-based): chr1:196,910,438, C>T. VCF-style: chr1-196910438-C-T. GRCh37 (hg19) VCF-style: chr1-196879568-C-T.
Other names: p.His318=; c.954C>T, p.His318= (NM_001201551.2); c.257-2302C>T (NM_006684.5).
Identifiers: ClinVar variation 4683986 (VCV004683986.1).